The following is an entry in ClinVar:

NM_001126108.2(SLC12A3):c.37G>A (p.Ala13Thr)

Gene: SLC12A3 (solute carrier family 12 member 3; plus strand). Cytogenetic location: 16q13.
Variant type: single nucleotide variant.
Coding change: c.37G>A on transcript NM_001126108.2 (MANE Select); coding-DNA position 37, G replaced by A.
Protein change: p.Ala13Thr; replaces alanine 13 with threonine.
Molecular consequence: missense variant.
Genome position (GRCh38, 1-based): chr16:56,865,272, G>A. VCF-style: chr16-56865272-G-A. GRCh37 (hg19) VCF-style: chr16-56899184-G-A.
Other names: c.37G>A (NM_000339.2); c.37G>A, p.Ala13Thr (NM_000339.3, NM_001126107.2, NM_001410896.1); short protein forms A13T.
Identifiers: ClinVar variation 2188906 (VCV002188906.4), dbSNP rs147200024, ClinGen allele CA8068896.

ClinVar aggregate classification (germline): Uncertain significance. Review status: criteria provided, multiple submitters, no conflicts (2 of 4 stars). 2 submissions from 2 submitters: Uncertain significance (2). Last evaluated 2025-06-12.

Conditions:
Inborn genetic diseases. Identifiers: MedGen C0950123, MeSH D030342.

gnomAD v4.1: 15 of 1,613,684 alleles (0.00093%); highest among the groups gnomAD compares: African/African-American, 0.0093%; no homozygotes.

Submissions (2):

Labcorp Genetics (formerly Invitae), Labcorp
Classification: Uncertain significance. Last evaluated: 2025-06-12. Review status: criteria provided, single submitter. Criteria: Invitae Variant Classification Sherloc (09022015). Collection method: clinical testing. Allele origin: germline.
Comment: This sequence change replaces alanine, which is neutral and non-polar, with threonine, which is neutral and polar, at codon 13 of the SLC12A3 protein (p.Ala13Thr). This variant is present in population databases (rs147200024, gnomAD 0.01%). This variant has not been reported in the literature in individuals affected with SLC12A3-related conditions. ClinVar contains an entry for this variant (Variation ID: 2188906). Invitae Evidence Modeling of protein sequence and biophysical properties (such as structural, functional, and spatial information, amino acid conservation, physicochemical variation, residue mobility, and thermodynamic stability) indicates that this missense variant is not expected to disrupt SLC12A3 protein function with a negative predictive value of 95%. In summary, the available evidence is currently insufficient to determine the role of this variant in disease. Therefore, it has been classified as a Variant of Uncertain Significance.

Ambry Genetics
Classification: Uncertain significance for Inborn genetic diseases. Last evaluated: 2025-02-15. Review status: criteria provided, single submitter. Criteria: Ambry Variant Classification Scheme 2023. Collection method: clinical testing. Allele origin: germline.